The following is an entry in ClinVar:

NM_000179.3(MSH6):c.81C>G (p.Ala27=)

Gene: MSH6 (mutS homolog 6; plus strand). Cytogenetic location: 2p16.3.
Variant type: single nucleotide variant.
Coding change: c.81C>G on transcript NM_000179.3 (MANE Select); coding-DNA position 81, C replaced by G.
Protein change: p.Ala27=; no amino-acid change (alanine 27 retained).
Molecular consequence: synonymous variant. On other transcripts: 5 prime UTR variant (1).
Genome position (GRCh38, 1-based): chr2:47,783,314, C>G. VCF-style: chr2-47783314-C-G. GRCh37 (hg19) VCF-style: chr2-48010453-C-G.
Other names: c.81C>G, p.Ala27= (NM_001281492.2); c.-656C>G (NM_001281493.2).
Identifiers: ClinVar variation 185732 (VCV000185732.37), dbSNP rs781496151, ClinGen allele CA016507.
Genomic context (GRCh38, chr2:47,783,314, plus strand): 5'-GTACAGCTTCTTCCCCAAGTCTCCGGCGCTGAGTGATGCCAACAAGGCCTCGGCCAGGGC[C>G]TCACGCGAAGGCGGCCGTGCCGCCGCTGCCCCCGGGGCCTCTCCTTCCCCAGGCGGGGAT-3'
Protein context (NP_000170.1, residues 17-37): LSDANKASAR[Ala27=]SREGGRAAAA

ClinVar aggregate classification (germline): Benign/Likely benign. Review status: criteria provided, multiple submitters, no conflicts (2 of 4 stars). 11 submissions from 11 submitters: Benign (2); Likely benign (8). 1 of the submissions does not count toward it. Last evaluated 2026-08-01.

Conditions:
MSH6-related disorder. Also called: MSH6-related condition; MSH6-Related disorders.
Hereditary nonpolyposis colorectal neoplasms. Identifiers: MedGen C0009405, MeSH D003123.
Hereditary cancer-predisposing syndrome. Also called: Hereditary neoplastic syndrome; Tumor predisposition; Neoplastic Syndromes, Hereditary; Hereditary Cancer Syndrome. Identifiers: Orphanet 140162, MedGen C0027672, MeSH D009386, MONDO:0015356.
Lynch syndrome. Identifiers: Orphanet 144, MedGen C4552100, MONDO:0005835. Disease mechanism: loss of function.
Lynch syndrome 5 (LYNCH5). Also called: Hereditary non-polyposis colorectal cancer, type 5; Colorectal cancer, hereditary nonpolyposis, type 5. Identifiers: Orphanet 144, MedGen C1833477, MONDO:0013710, OMIM 614350. Disease mechanism: loss of function.

Allele frequency attached by ClinVar (database versions not stated): gnomAD 0.00001 and 0.00002; ExAC 0.00002; gnomAD exomes 0.00002; TOPMed 0.00004.
gnomAD v4.1: 36 of 1,611,778 alleles (0.0022%); highest among the groups gnomAD compares: Admixed American, 0.0067%; no homozygotes.

Submissions (11):

CeGaT Center for Human Genetics Tuebingen
Classification: Likely benign. Last evaluated: 2026-08-01. Review status: criteria provided, single submitter. Criteria: CeGaT Center For Human Genetics Tuebingen Variant Classification Criteria Version 2. Collection method: clinical testing. Allele origin: germline. Affected: yes. Observed: 2 variant alleles.
Comment: MSH6: BP4, BP7

Labcorp Genetics (formerly Invitae), Labcorp
Classification: Likely benign for Hereditary nonpolyposis colorectal neoplasms. Last evaluated: 2026-01-13. Review status: criteria provided, single submitter. Criteria: Invitae Variant Classification Sherloc (09022015). Collection method: clinical testing. Allele origin: germline.

Myriad Genetics, Inc.
Classification: Benign for Lynch syndrome 5. Last evaluated: 2024-12-17. Review status: criteria provided, single submitter. Criteria: Myriad Autosomal Dominant, Autosomal Recessive and X-Linked Classification Criteria (2023). Collection method: clinical testing. Allele origin: unknown.
Comment: This variant is considered benign. This variant is a silent/synonymous amino acid change and it is not expected to impact splicing.

All of Us Research Program, National Institutes of Health
Classification: Likely benign for Lynch syndrome. Last evaluated: 2024-09-23. Review status: criteria provided, single submitter. Criteria: ACMG Guidelines, 2015. Collection method: clinical testing. Allele origin: germline. Inheritance: Autosomal dominant inheritance. Observed: 7 variant alleles, 7 heterozygotes.
Comment: This study involves interpretation of variants in research participants for the purpose of population health screening. Participant phenotype was not available at the time of variant classification. Additional details can be found in publication PMID: 35346344, PMCID: PMC8962531

Institute for Biomarker Research, Medical Diagnostic Laboratories, L.L.C.
Classification: Likely benign for Hereditary cancer-predisposing syndrome. Last evaluated: 2023-06-27. Review status: criteria provided, single submitter. Criteria: ACMG Guidelines, 2015. Collection method: clinical testing. Allele origin: germline.

Women's Health and Genetics/Laboratory Corporation of America, LabCorp
Classification: Likely benign. Last evaluated: 2022-05-03. Review status: criteria provided, single submitter. Criteria: LabCorp Variant Classification Summary - May 2015. Collection method: clinical testing. Allele origin: germline.

Color Diagnostics, LLC DBA Color Health
Classification: Likely benign for Hereditary cancer-predisposing syndrome. Last evaluated: 2017-08-14. Review status: criteria provided, single submitter. Criteria: ACMG Guidelines, 2015. Collection method: clinical testing. Allele origin: germline.

ARUP Laboratories, Molecular Genetics and Genomics, ARUP Laboratories
Classification: Likely benign. Last evaluated: 2016-08-05. Review status: criteria provided, single submitter. Criteria: ARUP Molecular Germline Variant Investigation Process. Collection method: clinical testing. Allele origin: germline.

GeneDx
Classification: Benign. Last evaluated: 2015-06-26. Review status: criteria provided, single submitter. Criteria: GeneDx Variant Classification Process June 2021. Collection method: clinical testing. Allele origin: germline. Affected: yes.

Ambry Genetics
Classification: Likely benign for Hereditary cancer-predisposing syndrome. Last evaluated: 2014-08-01. Review status: criteria provided, single submitter. Criteria: Ambry Variant Classification Scheme 2023. Collection method: clinical testing. Allele origin: germline.

PreventionGenetics, part of Exact Sciences
Classification: Likely benign for MSH6-related condition. Last evaluated: 2019-06-19. Review status: no assertion criteria provided. Collection method: clinical testing. Allele origin: germline. Not counted in ClinVar's aggregate classification.
Comment: This variant is classified as likely benign based on ACMG/AMP sequence variant interpretation guidelines (Richards et al. 2015 PMID: 25741868, with internal and published modifications).